The following is an entry in ClinVar:

NM_006231.4(POLE):c.910-12del

Gene: POLE (DNA polymerase epsilon, catalytic subunit; minus strand). Cytogenetic location: 12q24.33.
Variant type: Deletion.
Coding change: c.910-12del on transcript NM_006231.4 (MANE Select); 12 bases into the intron before coding-DNA position 910, one base deleted (G; older notation c.910-12delG).
Molecular consequence: intron variant.
Genome position (GRCh38, 1-based): chr12:132,676,216, C deleted on the plus strand (G on the coding strand, the reverse complement: POLE is on the minus strand). VCF-style (leftmost placement, unchanged base first): chr12-132676215-TC-T. GRCh37 (hg19) VCF-style: chr12-133252801-TC-T.
Identifiers: ClinVar variation 3904602 (VCV003904602.1).

ClinVar aggregate classification (germline): Likely benign (1 of 4 stars; one submission).

Conditions:
Colorectal cancer, susceptibility to, 12 (CRCS12). Also called: COLORECTAL CANCER, SUSCEPTIBILITY TO, ON CHROMOSOME 12q24. Identifiers: Orphanet 220460, MedGen C3554460, MONDO:0014038, OMIM 615083.

Submission:

Myriad Genetics, Inc.
Classification: Likely benign for Colorectal cancer, susceptibility to, 12. Last evaluated: 2025-02-07. Review status: criteria provided, single submitter. Criteria: Myriad Autosomal Dominant, Autosomal Recessive and X-Linked Classification Criteria (2023). Collection method: clinical testing. Allele origin: unknown.
Comment: This variant is considered likely benign. This variant is intronic and is not expected to impact mRNA splicing.